The following is an entry in ClinVar:

NM_000059.4(BRCA2):c.1107T>C (p.Asn369=)

Gene: BRCA2 (BRCA2 DNA repair associated; plus strand). Cytogenetic location: 13q13.1.
Variant type: single nucleotide variant.
Coding change: c.1107T>C on transcript NM_000059.4 (MANE Select); coding-DNA position 1107, T replaced by C.
Protein change: p.Asn369=; no amino-acid change (asparagine 369 retained).
Molecular consequence: synonymous variant.
Genome position (GRCh38, 1-based): chr13:32,332,585, T>C. VCF-style: chr13-32332585-T-C. GRCh37 (hg19) VCF-style: chr13-32906722-T-C.
Identifiers: ClinVar variation 389908 (VCV000389908.17), dbSNP rs876659793, ClinGen allele CA16606659.

ClinVar aggregate classification (germline): Likely benign. Review status: criteria provided, multiple submitters, no conflicts (2 of 4 stars). 4 submissions from 4 submitters: Likely benign (4). Last evaluated 2021-04-06.

Conditions:
Hereditary breast ovarian cancer syndrome. Also called: Hereditary breast and ovarian cancer syndrome; BRCA1- and BRCA2-Associated Hereditary Breast and Ovarian Cancer; Hereditary breast and ovarian cancer; Hereditary breast and/or ovarian cancer syndrome; Hereditary breast and ovarian cancer syndrome (HBOC); Breast and ovarian cancer. Identifiers: Orphanet 145, MedGen C0677776, MeSH D061325, MONDO:0003582. Disease mechanism: loss of function.
Hereditary cancer-predisposing syndrome. Also called: Hereditary Cancer Syndrome; Hereditary neoplastic syndrome; Neoplastic Syndromes, Hereditary; Tumor predisposition. Identifiers: Orphanet 140162, MedGen C0027672, MeSH D009386, MONDO:0015356.

gnomAD v4.1: 1 of 1,613,688 alleles (0.000062%); highest among the groups gnomAD compares: Non-Finnish European, 0.000085%; no homozygotes.

Submissions (4):

Quest Diagnostics Nichols Institute San Juan Capistrano
Classification: Likely benign. Last evaluated: 2021-04-06. Review status: criteria provided, single submitter. Criteria: Quest Diagnostics criteria. Collection method: clinical testing. Allele origin: unknown.

Labcorp Genetics (formerly Invitae), Labcorp
Classification: Likely benign for Hereditary breast ovarian cancer syndrome. Last evaluated: 2020-02-05. Review status: criteria provided, single submitter. Criteria: Invitae Variant Classification Sherloc (09022015). Collection method: clinical testing. Allele origin: germline.

Ambry Genetics
Classification: Likely benign for Hereditary cancer-predisposing syndrome. Last evaluated: 2019-04-22. Review status: criteria provided, single submitter. Criteria: Ambry Variant Classification Scheme 2023. Collection method: clinical testing. Allele origin: germline.

GeneDx
Classification: Likely benign. Last evaluated: 2016-10-07. Review status: criteria provided, single submitter. Criteria: GeneDx Variant Classification (06012015). Collection method: clinical testing. Allele origin: germline. Affected: yes.
Comment: This variant is considered likely benign or benign based on one or more of the following criteria: it is a conservative change, it occurs at a poorly conserved position in the protein, it is predicted to be benign by multiple in silico algorithms, and/or has population frequency not consistent with disease.